The following is an entry in ClinVar:

NM_000077.5(CDKN2A):c.198C>A (p.His66Gln)

Gene: CDKN2A (cyclin dependent kinase inhibitor 2A; minus strand). Cytogenetic location: 9p21.3.
Variant type: single nucleotide variant.
Coding change: c.198C>A on transcript NM_000077.5; coding-DNA position 198, C replaced by A.
Protein change: p.His66Gln; replaces histidine 66 with glutamine.
Molecular consequence: missense variant (on NM_000077.6). On other transcripts: synonymous variant (1), 3 prime UTR variant (1).
Genome position (GRCh38, 1-based): chr9:21,971,161, G>T on the plus strand (C>A on the coding strand, the complement: CDKN2A is on the minus strand). VCF-style: chr9-21971161-G-T. GRCh37 (hg19) VCF-style: chr9-21971160-G-T.
Other names: c.198C>A, p.His66Gln (NM_000077.6, NM_001195132.2); c.45C>A, p.His15Gln (NM_001363763.2); c.241C>A, p.Arg81= (NM_058195.4); c.*121C>A (NM_058197.5); short protein forms H66Q, H15Q.
Identifiers: ClinVar variation 449976 (VCV000449976.19), dbSNP rs374984975, ClinGen allele CA373086350.

ClinVar aggregate classification (germline): Uncertain significance. Review status: criteria provided, multiple submitters, no conflicts (2 of 4 stars). 4 submissions from 4 submitters: Uncertain significance (4). Last evaluated 2025-11-21.

Conditions:
Familial melanoma. Also called: Hereditary melanoma; Hereditary cutaneous melanoma. Identifiers: Orphanet 618, MedGen C1512419, MONDO:0018961.
Hereditary cancer-predisposing syndrome. Also called: Neoplastic Syndromes, Hereditary; Hereditary Cancer Syndrome; Hereditary neoplastic syndrome; Tumor predisposition. Identifiers: Orphanet 140162, MedGen C0027672, MeSH D009386, MONDO:0015356.

Submissions (4):

Labcorp Genetics (formerly Invitae), Labcorp
Classification: Uncertain significance for Familial melanoma. Last evaluated: 2025-11-21. Review status: criteria provided, single submitter. Criteria: Invitae Variant Classification Sherloc (09022015). Collection method: clinical testing. Allele origin: germline.
Comment: The CDKN2A gene encodes two different proteins, p16INK4a and p14ARF, which are translated from alternative transcripts with different open reading frames. Both transcripts have been analyzed. We report either the variant with the higher classification or default to the CDKN2A (p16INK4a) variant. This report therefore includes the details for the CDKN2A (p16INK4a) variant. This sequence change replaces histidine, which is basic and polar, with glutamine, which is neutral and polar, at codon 66 of the CDKN2A (p16INK4a) protein (p.His66Gln). This variant is not present in population databases (gnomAD no frequency). This variant has not been reported in the literature in individuals affected with CDKN2A (p16INK4a)-related conditions. This variant is also known as c.241C>A (Silent) in the CDKN2A (p14ARF) transcript. ClinVar contains an entry for this variant (Variation ID: 449976). An algorithm developed to predict the effect of missense changes on protein structure and function (PolyPhen-2) suggests that this variant is likely to be tolerated. In summary, the available evidence is currently insufficient to determine the role of this variant in disease. Therefore, it has been classified as a Variant of Uncertain Significance.

Ambry Genetics
Classification: Uncertain significance for Hereditary cancer-predisposing syndrome. Last evaluated: 2025-05-29. Review status: criteria provided, single submitter. Criteria: Ambry Variant Classification Scheme 2023. Collection method: clinical testing. Allele origin: germline.
Comment: The p.H66Q variant (also known as c.198C>A), located in coding exon 2 of the CDKN2A gene, results from a C to A substitution at nucleotide position 198. The histidine at codon 66 is replaced by glutamine, an amino acid with highly similar properties. Of note, this variant is also known as c.241C>A (p.R81R) in the p14(ARF) isoform. This amino acid position is not well conserved in available vertebrate species. In addition, the in silico prediction for this alteration is inconclusive. Based on the available evidence, the clinical significance of this variant remains unclear.

Color Diagnostics, LLC DBA Color Health
Classification: Uncertain significance for Hereditary cancer-predisposing syndrome. Last evaluated: 2023-11-06. Review status: criteria provided, single submitter. Criteria: ACMG Guidelines, 2015. Collection method: clinical testing. Allele origin: germline.
Comment: The CDKN2A locus encodes two different gene products, p16INK4a and p14ARF. This missense variant replaces histidine with glutamine at codon 66 of the CDKN2A (p16INK4A) protein. Computational prediction is inconclusive regarding the impact of this variant on protein structure and function (internally defined REVEL score threshold 0.5 < inconclusive < 0.7, PMID: 27666373). To our knowledge, functional studies have not been reported for this variant. This variant has not been reported in individuals affected with CDKN2A-related disorders in the literature. This variant has not been identified in the general population by the Genome Aggregation Database (gnomAD). The available evidence is insufficient to determine the role of this variant in disease conclusively. Therefore, this variant is classified as a Variant of Uncertain Significance.

GeneDx
Classification: Uncertain significance. Last evaluated: 2019-05-16. Review status: criteria provided, single submitter. Criteria: GeneDx Variant Classification Process June 2021. Collection method: clinical testing. Allele origin: germline. Affected: yes.
Comment: Not observed in large population cohorts (Lek et al., 2016); In silico analysis, which includes protein predictors and evolutionary conservation, supports a deleterious effect